The following is an entry in ClinVar:

NM_001370100.5(ZMYND11):c.300C>G (p.Asp100Glu)

Gene: ZMYND11 (zinc finger MYND-type containing 11; plus strand). Cytogenetic location: 10p15.3.
Variant type: single nucleotide variant.
Coding change: c.300C>G on transcript NM_001370100.5 (MANE Select); coding-DNA position 300, C replaced by G.
Protein change: p.Asp100Glu; replaces aspartic acid 100 with glutamic acid.
Molecular consequence: missense variant. On other transcripts: non-coding transcript variant (1), intron variant (18).
Genome position (GRCh38, 1-based): chr10:221,218, C>G. VCF-style: chr10-221218-C-G. GRCh37 (hg19) VCF-style: chr10-267158-C-G.
Other names: c.300C>G, p.Asp100Glu (NM_001202468.1, NM_001370097.3, NM_001370098.2 and 10 more transcripts); c.249C>G, p.Asp83Glu (NM_001330057.3, NM_001370112.2); c.234C>G, p.Asp78Glu (NM_001370116.2); c.180C>G, p.Asp60Glu (NM_001370118.2); c.276+11170C>G (NM_001370103.2, NM_001370104.2, NM_001370105.2 and 11 more transcripts); c.210+11170C>G (NM_001370120.2); c.-33-15620C>G (NM_001370124.3); c.225+11170C>G (NM_001370123.2); and 1 more; short protein forms D100E, D60E, D78E, D83E.
Identifiers: ClinVar variation 3373477 (VCV003373477.1).

ClinVar aggregate classification (germline): Uncertain significance (1 of 4 stars; one submission).

Submission:

GeneDx
Classification: Uncertain significance. Last evaluated: 2024-02-28. Review status: criteria provided, single submitter. Criteria: GeneDx Variant Classification Process June 2021. Collection method: clinical testing. Allele origin: germline. Affected: yes.
Comment: Not observed at significant frequency in large population cohorts (gnomAD); In silico analysis supports that this missense variant has a deleterious effect on protein structure/function; Has not been previously published as pathogenic or benign to our knowledge